The following is an entry in ClinVar:

NM_002734.5(PRKAR1A):c.125G>A (p.Arg42Gln)

Gene: PRKAR1A (protein kinase cAMP-dependent type I regulatory subunit alpha; plus strand). Cytogenetic location: 17q24.2.
Variant type: single nucleotide variant.
Coding change: c.125G>A on transcript NM_002734.5 (MANE Select); coding-DNA position 125, G replaced by A.
Protein change: p.Arg42Gln; replaces arginine 42 with glutamine.
Molecular consequence: missense variant.
Genome position (GRCh38, 1-based): chr17:68,515,524, G>A. VCF-style: chr17-68515524-G-A. GRCh37 (hg19) VCF-style: chr17-66511665-G-A.
Other names: c.125G>A, p.Arg42Gln (NM_001276289.2, NM_001276290.1, NM_001278433.2 and 4 more transcripts); short protein forms R42Q.
Identifiers: ClinVar variation 661298 (VCV000661298.17), dbSNP rs746486900, ClinGen allele CA8729162.

ClinVar aggregate classification (germline): Uncertain significance. Review status: criteria provided, multiple submitters, no conflicts (2 of 4 stars). 4 submissions from 4 submitters: Uncertain significance (4). Last evaluated 2025-09-13.

Conditions:
Hereditary cancer-predisposing syndrome. Also called: Neoplastic Syndromes, Hereditary; Tumor predisposition; Hereditary neoplastic syndrome; Hereditary Cancer Syndrome. Identifiers: Orphanet 140162, MedGen C0027672, MeSH D009386, MONDO:0015356.
Carney complex, type 1 (CNC1). Also called: CARNEY MYXOMA-ENDOCRINE COMPLEX; CARNEY COMPLEX, TYPE I. Identifiers: Orphanet 1359, MedGen C2607929, MONDO:0008057, OMIM 160980.
Acrodysostosis 1 with or without hormone resistance (ACRDYS1). Also called: ACRODYSOSTOSIS WITH HORMONE RESISTANCE; ACRODYSOSTOSIS 1 WITH HORMONE RESISTANCE; ACRODYSOSTOSIS 1 WITHOUT HORMONE RESISTANCE. Identifiers: Orphanet 280651, MedGen C3276228, MONDO:0007044, OMIM 101800.

Allele frequency attached by ClinVar (database versions not stated): gnomAD exomes below 0.00001; TOPMed below 0.00001; ExAC 0.00001.
gnomAD v4.1: 1 of 1,613,056 alleles (0.000062%); highest among the groups gnomAD compares: Admixed American, 0.0017%; no homozygotes.

Submissions (4):

Labcorp Genetics (formerly Invitae), Labcorp
Classification: Uncertain significance for Carney complex, type 1. Last evaluated: 2025-09-13. Review status: criteria provided, single submitter. Criteria: Invitae Variant Classification Sherloc (09022015). Collection method: clinical testing. Allele origin: germline.
Comment: This sequence change replaces arginine, which is basic and polar, with glutamine, which is neutral and polar, at codon 42 of the PRKAR1A protein (p.Arg42Gln). This variant is present in population databases (rs746486900, gnomAD 0.003%). This variant has not been reported in the literature in individuals affected with PRKAR1A-related conditions. ClinVar contains an entry for this variant (Variation ID: 661298). Invitae Evidence Modeling of protein sequence and biophysical properties (such as structural, functional, and spatial information, amino acid conservation, physicochemical variation, residue mobility, and thermodynamic stability) indicates that this missense variant is not expected to disrupt PRKAR1A protein function with a negative predictive value of 95%. In summary, the available evidence is currently insufficient to determine the role of this variant in disease. Therefore, it has been classified as a Variant of Uncertain Significance.

Ambry Genetics
Classification: Uncertain significance for Hereditary cancer-predisposing syndrome. Last evaluated: 2025-08-20. Review status: criteria provided, single submitter. Criteria: Ambry Variant Classification Scheme 2023. Collection method: clinical testing. Allele origin: germline.
Comment: The p.R42Q variant (also known as c.125G>A), located in coding exon 1 of the PRKAR1A gene, results from a G to A substitution at nucleotide position 125. The arginine at codon 42 is replaced by glutamine, an amino acid with highly similar properties. This amino acid position is well conserved in available vertebrate species. In addition, this alteration is predicted to be tolerated by in silico analysis. Since supporting evidence is limited at this time, the clinical significance of this alteration remains unclear.

Baylor Genetics
Classification: Uncertain significance for Acrodysostosis 1 with or without hormone resistance. Last evaluated: 2024-03-20. Review status: criteria provided, single submitter. Criteria: ACMG Guidelines, 2015. Collection method: clinical testing. Allele origin: unknown.

GeneDx
Classification: Uncertain significance. Last evaluated: 2023-06-08. Review status: criteria provided, single submitter. Criteria: GeneDx Variant Classification Process June 2021. Collection method: clinical testing. Allele origin: germline. Affected: yes.
Comment: Not observed at significant frequency in large population cohorts (gnomAD); In silico analysis supports that this missense variant does not alter protein structure/function; Has not been previously published as pathogenic or benign to our knowledge; This variant is associated with the following publications: (PMID: 24363928, 27612425)